The following is an entry in ClinVar:

ClinVar aggregate classification (germline): Uncertain significance (1 of 4 stars; one submission).

Conditions:
Inborn genetic diseases. Identifiers: MedGen C0950123, MeSH D030342.

Submission:

Ambry Genetics
Classification: Uncertain significance for Inborn genetic diseases. Last evaluated: 2025-03-03. Review status: criteria provided, single submitter. Criteria: Ambry Variant Classification Scheme 2023. Collection method: clinical testing. Allele origin: germline.
Comment: The p.E482V variant (also known as c.1445A>T), located in coding exon 1 of the SAMD9L gene, results from an A to T substitution at nucleotide position 1445. The glutamic acid at codon 482 is replaced by valine, an amino acid with dissimilar properties. This amino acid position is conserved. In addition, this alteration is predicted to be tolerated by in silico analysis. Based on the available evidence, the clinical significance of this variant remains unclear.

NM_152703.5(SAMD9L):c.1445A>T (p.Glu482Val)

Gene: SAMD9L (sterile alpha motif domain containing 9 like; minus strand). Cytogenetic location: 7q21.2.
Variant type: single nucleotide variant.
Coding change: c.1445A>T on transcript NM_152703.5 (MANE Select); coding-DNA position 1445, A replaced by T.
Protein change: p.Glu482Val; replaces glutamic acid 482 with valine.
Molecular consequence: missense variant.
Genome position (GRCh38, 1-based): chr7:93,134,527, T>A on the plus strand (A>T on the coding strand, the complement: SAMD9L is on the minus strand). VCF-style: chr7-93134527-T-A. GRCh37 (hg19) VCF-style: chr7-92763840-T-A.
Other names: c.1445A>T, p.Glu482Val (NM_001303496.3, NM_001303497.3, NM_001303498.3 and 5 more transcripts); short protein forms E482V.
Identifiers: ClinVar variation 3792482 (VCV003792482.1).